The following is an entry in ClinVar:

ClinVar aggregate classification (germline): Uncertain significance. Review status: criteria provided, multiple submitters, no conflicts (2 of 4 stars). 4 submissions from 4 submitters: Uncertain significance (4). Last evaluated 2026-01-18.

Conditions:
Cardiovascular phenotype. Identifiers: MedGen CN230736.
Hypertrophic cardiomyopathy 14. Identifiers: MedGen C2750467, MONDO:0013197, OMIM 613251.

Allele frequency attached by ClinVar (database versions not stated): TOPMed 0.00001; ExAC 0.00002.
gnomAD v4.1: 20 of 1,613,632 alleles (0.0012%); highest among the groups gnomAD compares: Admixed American, 0.0017%; no homozygotes.

Submissions (4):

Labcorp Genetics (formerly Invitae), Labcorp
Classification: Uncertain significance for Hypertrophic cardiomyopathy 14. Last evaluated: 2026-01-18. Review status: criteria provided, single submitter. Criteria: Invitae Variant Classification Sherloc (09022015). Collection method: clinical testing. Allele origin: germline.
Comment: This sequence change replaces valine, which is neutral and non-polar, with methionine, which is neutral and non-polar, at codon 321 of the MYH6 protein (p.Val321Met). This variant is present in population databases (rs753937010, gnomAD 0.003%). This variant has not been reported in the literature in individuals affected with MYH6-related conditions. ClinVar contains an entry for this variant (Variation ID: 3222365). Invitae Evidence Modeling of protein sequence and biophysical properties (such as structural, functional, and spatial information, amino acid conservation, physicochemical variation, residue mobility, and thermodynamic stability) indicates that this missense variant is expected to disrupt MYH6 protein function with a positive predictive value of 80%. In summary, the available evidence is currently insufficient to determine the role of this variant in disease. Therefore, it has been classified as a Variant of Uncertain Significance.

Ambry Genetics
Classification: Uncertain significance for Cardiovascular phenotype. Last evaluated: 2025-08-14. Review status: criteria provided, single submitter. Criteria: Ambry Variant Classification Scheme 2023. Collection method: clinical testing. Allele origin: germline.

Women's Health and Genetics/Laboratory Corporation of America, LabCorp
Classification: Uncertain significance. Last evaluated: 2025-03-07. Review status: criteria provided, single submitter. Criteria: LabCorp Variant Classification Summary - May 2015. Collection method: clinical testing. Allele origin: germline.

Blueprint Genetics
Classification: Uncertain significance. Last evaluated: 2023-12-19. Review status: criteria provided, single submitter. Criteria: ACMG Guidelines, 2015. Collection method: clinical testing. Allele origin: germline.

NM_002471.4(MYH6):c.961G>A (p.Val321Met)

Gene: MYH6 (myosin heavy chain 6; minus strand). Cytogenetic location: 14q11.2.
Variant type: single nucleotide variant.
Coding change: c.961G>A on transcript NM_002471.4 (MANE Select); coding-DNA position 961, G replaced by A.
Protein change: p.Val321Met; replaces valine 321 with methionine.
Molecular consequence: missense variant.
Genome position (GRCh38, 1-based): chr14:23,402,738, C>T on the plus strand (G>A on the coding strand, the complement: MYH6 is on the minus strand). VCF-style: chr14-23402738-C-T. GRCh37 (hg19) VCF-style: chr14-23871947-C-T.
Other names: short protein forms V321M.
Identifiers: ClinVar variation 3222365 (VCV003222365.6), dbSNP rs753937010, ClinGen allele CA7115959.